The following is an entry in ClinVar:

ClinVar aggregate classification (germline): Uncertain significance (1 of 4 stars; one submission).

Conditions:
Osteochondritis dissecans. Identifiers: Orphanet 251262, Orphanet 2764, MedGen C0029421, MONDO:0017178, HP:0010886.

Allele frequency attached by ClinVar (database versions not stated): gnomAD 0.00001; TOPMed 0.00001.
gnomAD v4.1: 4 of 1,612,522 alleles (0.00025%); highest among the groups gnomAD compares: East Asian, 0.0022%; no homozygotes.

Submission:

HudsonAlpha Institute for Biotechnology
Classification: Uncertain significance for Short stature and advanced bone age, with or without early-onset osteoarthritis and/or osteochondritis dissecans. Last evaluated: 2021-06-07. Review status: criteria provided, single submitter. Criteria: ACMG Guidelines, 2015. Collection method: research. Allele origin: inherited. Observed: 1 variant allele. Study: CSER-SouthSeq.
Comment: ACMG codes:PM2; PP3

NM_001369268.1(ACAN):c.955G>A (p.Gly319Ser)

Gene: ACAN (aggrecan; plus strand). Cytogenetic location: 15q26.1.
Variant type: single nucleotide variant.
Coding change: c.955G>A on transcript NM_001369268.1 (MANE Select); coding-DNA position 955, G replaced by A.
Protein change: p.Gly319Ser; replaces glycine 319 with serine.
Molecular consequence: missense variant.
Genome position (GRCh38, 1-based): chr15:88,843,552, G>A. VCF-style: chr15-88843552-G-A. GRCh37 (hg19) VCF-style: chr15-89386783-G-A.
Other names: c.955G>A, p.Gly319Ser (NM_001135.4, NM_013227.4); short protein forms G319S.
Identifiers: ClinVar variation 1172550 (VCV001172550.1), dbSNP rs1044441746, ClinGen allele CA274468810.